The following is an entry in ClinVar:

NM_004444.5(EPHB4):c.2537C>G (p.Pro846Arg)

Genes: EPHB4 (EPH receptor B4; minus strand), LOC126860124 (CDK7 strongly-dependent group 2 enhancer GRCh37_chr7:100403701-100404900; plus strand). Cytogenetic location: 7q22.1.
Variant type: single nucleotide variant.
Coding change: c.2537C>G on transcript NM_004444.5 (MANE Select); coding-DNA position 2537, C replaced by G.
Protein change: p.Pro846Arg; replaces proline 846 with arginine.
Molecular consequence: missense variant.
Genome position (GRCh38, 1-based): chr7:100,805,642, G>C on the plus strand (C>G on the coding strand, the complement: EPHB4 is on the minus strand). VCF-style: chr7-100805642-G-C. GRCh37 (hg19) VCF-style: chr7-100403264-G-C.
Other names: short protein forms P846R.
Identifiers: ClinVar variation 1313925 (VCV001313925.2), dbSNP rs2116414197, ClinGen allele CA368567076.
Genomic context (GRCh38, chr7:100,805,642, plus strand): 5'-CGGGGCCGGGCATTCCGGTCTTTCTGCCAACAGTCCAGCATGAGCTGGTGGAGGGAGGTG[G>C]GACAGTCTGGGGGCGGGGGCAGCCGGTAGTCCTGTTCAATGGCATTGATCACCTGGAAAG-3'
Protein context (NP_004435.3, residues 836-856): DYRLPPPPDC[Pro846Arg]TSLHQLMLDC

ClinVar aggregate classification (germline): Uncertain significance (1 of 4 stars; one submission).

Submission:

GeneDx
Classification: Uncertain significance. Last evaluated: 2021-01-05. Review status: criteria provided, single submitter. Criteria: GeneDx Variant Classification Process June 2021. Collection method: clinical testing. Allele origin: germline. Affected: yes.
Comment: Not observed in large population cohorts (Lek et al., 2016); In silico analysis supports that this missense variant has a deleterious effect on protein structure/function; Has not been previously published as pathogenic or benign to our knowledge